The following is an entry in ClinVar:

NM_019842.4(KCNQ5):c.301A>G (p.Ser101Gly)

Genes: KCNQ5 (potassium voltage-gated channel subfamily Q member 5; plus strand), KCNQ5-DT (KCNQ5 divergent transcript; minus strand). Cytogenetic location: 6q13.
Variant type: single nucleotide variant.
Coding change: c.301A>G on transcript NM_019842.4 (MANE Select); coding-DNA position 301, A replaced by G.
Protein change: p.Ser101Gly; replaces serine 101 with glycine.
Molecular consequence: missense variant.
Genome position (GRCh38, 1-based): chr6:72,622,490, A>G. VCF-style: chr6-72622490-A-G. GRCh37 (hg19) VCF-style: chr6-73332218-A-G.
Other names: c.301A>G, p.Ser101Gly (NM_001160130.2, NM_001160132.2, NM_001160133.2 and 1 more transcripts); short protein forms S101G.
Identifiers: ClinVar variation 4855021 (VCV004855021.1).

ClinVar aggregate classification (germline): Uncertain significance (1 of 4 stars; one submission).

Conditions:
Intellectual developmental disorder, autosomal dominant 46. Also called: MENTAL RETARDATION, AUTOSOMAL DOMINANT 46; Intellectual disability, autosomal dominant 46. Identifiers: MedGen C4539851, MONDO:0030911, OMIM 617601.

Submission:

3billion
Classification: Uncertain significance for Intellectual developmental disorder, autosomal dominant 46. Last evaluated: 2025-05-02. Review status: criteria provided, single submitter. Criteria: ACMG Guidelines, 2015. Collection method: clinical testing. Allele origin: germline. Affected: yes.
Comment: The variant is not observed in the gnomAD v4.1.0 dataset. Predicted Consequence/Location: Missense variant. Missense changes are a common disease-causing mechanism. Therefore, this variant is classified as VUS according to the recommendation of ACMG/AMP guideline.